The following is an entry in ClinVar:

NM_001077620.3(PRCD):c.50G>A (p.Arg17His)

Genes: CYGB (cytoglobin; minus strand), PRCD (photoreceptor disc component; plus strand). Cytogenetic location: 17q25.1.
Variant type: single nucleotide variant.
Coding change: c.50G>A on transcript NM_001077620.3 (MANE Select); coding-DNA position 50, G replaced by A.
Protein change: p.Arg17His; replaces arginine 17 with histidine.
Molecular consequence: missense variant.
Genome position (GRCh38, 1-based): chr17:76,540,191, G>A. VCF-style: chr17-76540191-G-A. GRCh37 (hg19) VCF-style: chr17-74536273-G-A.
Other names: c.50G>A (NM_001077620.2); short protein forms R17H.
Identifiers: ClinVar variation 1060929 (VCV001060929.6), dbSNP rs768323513, ClinGen allele CA8787805.

ClinVar aggregate classification (germline): Uncertain significance. Review status: criteria provided, multiple submitters, no conflicts (2 of 4 stars). 2 submissions from 2 submitters: Uncertain significance (2). Last evaluated 2025-11-19.

Conditions:
Inborn genetic diseases. Identifiers: MedGen C0950123, MeSH D030342.

Allele frequency attached by ClinVar (database versions not stated): ExAC 0.00001; gnomAD exomes 0.00002; gnomAD 0.00005.
gnomAD v4.1: 29 of 1,528,730 alleles (0.0019%); highest among the groups gnomAD compares: African/African-American, 0.02%; no homozygotes.

Submissions (2):

Ambry Genetics
Classification: Uncertain significance for Inborn genetic diseases. Last evaluated: 2025-11-19. Review status: criteria provided, single submitter. Criteria: Ambry Variant Classification Scheme 2023. Collection method: clinical testing. Allele origin: germline.

Labcorp Genetics (formerly Invitae), Labcorp
Classification: Uncertain significance. Last evaluated: 2025-01-27. Review status: criteria provided, single submitter. Criteria: Invitae Variant Classification Sherloc (09022015). Collection method: clinical testing. Allele origin: germline.
Comment: This sequence change replaces arginine, which is basic and polar, with histidine, which is basic and polar, at codon 17 of the PRCD protein (p.Arg17His). The frequency data for this variant in the population databases is considered unreliable, as metrics indicate poor data quality at this position in the gnomAD database. This variant has not been reported in the literature in individuals affected with PRCD-related conditions. ClinVar contains an entry for this variant (Variation ID: 1060929). An algorithm developed to predict the effect of missense changes on protein structure and function (PolyPhen-2) suggests that this variant is likely to be disruptive. In summary, the available evidence is currently insufficient to determine the role of this variant in disease. Therefore, it has been classified as a Variant of Uncertain Significance.